The following is an entry in ClinVar:

ClinVar aggregate classification (germline): Uncertain significance (1 of 4 stars; one submission).

Conditions:
Cardiovascular phenotype. Identifiers: MedGen CN230736.

gnomAD v4.1: 1 of 1,614,138 alleles (0.000062%); highest among the groups gnomAD compares: African/African-American, 0.0013%; no homozygotes.

Submission:

Ambry Genetics
Classification: Uncertain significance for Cardiovascular phenotype. Last evaluated: 2023-05-11. Review status: criteria provided, single submitter. Criteria: Ambry Variant Classification Scheme 2023. Collection method: clinical testing. Allele origin: germline.
Comment: The p.R381P variant (also known as c.1142G>C), located in coding exon 7 of the FLNC gene, results from a G to C substitution at nucleotide position 1142. The arginine at codon 381 is replaced by proline, an amino acid with dissimilar properties. This amino acid position is conserved. In addition, the in silico prediction for this alteration is inconclusive. Since supporting evidence is limited at this time, the clinical significance of this alteration remains unclear.

NM_001458.5(FLNC):c.1142G>C (p.Arg381Pro)

Gene: FLNC (filamin C; plus strand). Cytogenetic location: 7q32.1.
Variant type: single nucleotide variant.
Coding change: c.1142G>C on transcript NM_001458.5 (MANE Select); coding-DNA position 1142, G replaced by C.
Protein change: p.Arg381Pro; replaces arginine 381 with proline.
Molecular consequence: missense variant.
Genome position (GRCh38, 1-based): chr7:128,838,361, G>C. VCF-style: chr7-128838361-G-C. GRCh37 (hg19) VCF-style: chr7-128478415-G-C.
Other names: c.1142G>C, p.Arg381Pro (NM_001127487.2); short protein forms R381P.
Identifiers: ClinVar variation 2565525 (VCV002565525.2), dbSNP rs776469396, ClinGen allele CA166214916.